The following is an entry in ClinVar:

ClinVar aggregate classification (germline): Uncertain significance (1 of 4 stars; one submission).

Submission:

Labcorp Genetics (formerly Invitae), Labcorp
Classification: Uncertain significance. Last evaluated: 2019-12-13. Review status: criteria provided, single submitter. Criteria: Invitae Variant Classification Sherloc (09022015). Collection method: clinical testing. Allele origin: germline.
Comment: In summary, the available evidence is currently insufficient to determine the role of this variant in disease. Therefore, it has been classified as a Variant of Uncertain Significance. Algorithms developed to predict the effect of missense changes on protein structure and function (SIFT, PolyPhen-2, Align-GVGD) all suggest that this variant is likely to be tolerated, but these predictions have not been confirmed by published functional studies and their clinical significance is uncertain. This variant has not been reported in the literature in individuals with SLC7A14-related conditions. This variant is not present in population databases (ExAC no frequency). This sequence change replaces glutamine with arginine at codon 256 of the SLC7A14 protein (p.Gln256Arg). The glutamine residue is weakly conserved and there is a small physicochemical difference between glutamine and arginine.

NM_020949.3(SLC7A14):c.767A>G (p.Gln256Arg)

Genes: SLC7A14 (solute carrier family 7 member 14; minus strand), SLC7A14-AS1 (SLC7A14 antisense RNA 1; plus strand). Cytogenetic location: 3q26.2.
Variant type: single nucleotide variant.
Coding change: c.767A>G on transcript NM_020949.3 (MANE Select); coding-DNA position 767, A replaced by G.
Protein change: p.Gln256Arg; replaces glutamine 256 with arginine.
Molecular consequence: missense variant.
Genome position (GRCh38, 1-based): chr3:170,486,361, T>C on the plus strand (A>G on the coding strand, the complement: SLC7A14 is on the minus strand). VCF-style: chr3-170486361-T-C. GRCh37 (hg19) VCF-style: chr3-170204150-T-C.
Other names: short protein forms Q256R.
Identifiers: ClinVar variation 855235 (VCV000855235.10), dbSNP rs1712030820, ClinGen allele CA355494441.